The following is an entry in ClinVar:

NM_198525.3(KIF7):c.333C>T (p.Ser111=)

Gene: KIF7 (kinesin family member 7; minus strand). Cytogenetic location: 15q26.1.
Variant type: single nucleotide variant.
Coding change: c.333C>T on transcript NM_198525.3 (MANE Select); coding-DNA position 333, C replaced by T.
Protein change: p.Ser111=; no amino-acid change (serine 111 retained).
Molecular consequence: synonymous variant.
Genome position (GRCh38, 1-based): chr15:89,649,937, G>A on the plus strand (C>T on the coding strand, the complement: KIF7 is on the minus strand). VCF-style: chr15-89649937-G-A. GRCh37 (hg19) VCF-style: chr15-90193168-G-A.
Identifiers: ClinVar variation 756178 (VCV000756178.8), dbSNP rs1452576966, ClinGen allele CA492104075.

ClinVar aggregate classification (germline): Likely benign. Review status: criteria provided, single submitter (1 of 4 stars). 2 submissions from 2 submitters: Likely benign (1). 1 of the submissions does not count toward it. Last evaluated 2025-02-17.

Conditions:
KIF7-related disorder. Also called: KIF7-related condition.
Acrocallosal syndrome (ACLS). Also called: HALLUX DUPLICATION, POSTAXIAL POLYDACTYLY, AND ABSENCE OF CORPUS CALLOSUM; Schinzel syndrome 1; Absence of corpus callosum with unusual facial appearance, mental deficiency, duplication of the halluces and polydactyly. Identifiers: Orphanet 36, MedGen C0796147, MONDO:0008708, OMIM 200990.

Allele frequency attached by ClinVar (database versions not stated): gnomAD 0.00001; gnomAD exomes 0.00001; TOPMed 0.00001.
gnomAD v4.1: 11 of 1,550,680 alleles (0.00071%); highest among the groups gnomAD compares: East Asian, 0.024%; no homozygotes.

Submissions (2):

Labcorp Genetics (formerly Invitae), Labcorp
Classification: Likely benign for Acrocallosal syndrome. Last evaluated: 2025-02-17. Review status: criteria provided, single submitter. Criteria: Invitae Variant Classification Sherloc (09022015). Collection method: clinical testing. Allele origin: germline.

PreventionGenetics, part of Exact Sciences
Classification: Likely benign for KIF7-related condition. Last evaluated: 2020-01-27. Review status: no assertion criteria provided. Collection method: clinical testing. Allele origin: germline. Not counted in ClinVar's aggregate classification.
Comment: This variant is classified as likely benign based on ACMG/AMP sequence variant interpretation guidelines (Richards et al. 2015 PMID: 25741868, with internal and published modifications).